The following is an entry in ClinVar:

NM_001905.4(CTPS1):c.454G>A (p.Gly152Arg)

Gene: CTPS1 (CTP synthase 1; plus strand). Cytogenetic location: 1p34.2.
Variant type: single nucleotide variant.
Coding change: c.454G>A on transcript NM_001905.4 (MANE Select); coding-DNA position 454, G replaced by A.
Protein change: p.Gly152Arg; replaces glycine 152 with arginine.
Molecular consequence: missense variant. On other transcripts: 5 prime UTR variant (1), non-coding transcript variant (1).
Genome position (GRCh38, 1-based): chr1:40,988,609, G>A. VCF-style: chr1-40988609-G-A. GRCh37 (hg19) VCF-style: chr1-41454281-G-A.
Other names: c.-15G>A (NM_001301237.2); short protein forms G152R.
Identifiers: ClinVar variation 2015636 (VCV002015636.4), dbSNP rs2524266804, ClinGen allele CA339902054.

ClinVar aggregate classification (germline): Uncertain significance (1 of 4 stars; one submission).

Conditions:
Combined immunodeficiency due to CTPS1 deficiency. Also called: Immunodeficiency 24; Severe combined immunodeficiency due to CTPS1 deficiency. Identifiers: Orphanet 420573, MedGen C4014617, MONDO:0014391, OMIM 615897.

Submission:

Labcorp Genetics (formerly Invitae), Labcorp
Classification: Uncertain significance for Combined immunodeficiency due to CTPS1 deficiency. Last evaluated: 2022-07-10. Review status: criteria provided, single submitter. Criteria: Invitae Variant Classification Sherloc (09022015). Collection method: clinical testing. Allele origin: germline.
Comment: This sequence change replaces glycine, which is neutral and non-polar, with arginine, which is basic and polar, at codon 152 of the CTPS1 protein (p.Gly152Arg). This variant is not present in population databases (gnomAD no frequency). This variant has not been reported in the literature in individuals affected with CTPS1-related conditions. Algorithms developed to predict the effect of missense changes on protein structure and function are either unavailable or do not agree on the potential impact of this missense change (SIFT: "Deleterious"; PolyPhen-2: "Probably Damaging"; Align-GVGD: "Class C0"). In summary, the available evidence is currently insufficient to determine the role of this variant in disease. Therefore, it has been classified as a Variant of Uncertain Significance.